The following is an entry in ClinVar:

NM_006361.6(HOXB13):c.203G>C (p.Gly68Ala)

Gene: HOXB13 (homeobox B13; minus strand). Cytogenetic location: 17q21.32.
Variant type: single nucleotide variant.
Coding change: c.203G>C on transcript NM_006361.6 (MANE Select); coding-DNA position 203, G replaced by C.
Protein change: p.Gly68Ala; replaces glycine 68 with alanine.
Molecular consequence: missense variant.
Genome position (GRCh38, 1-based): chr17:48,728,391, C>G on the plus strand (G>C on the coding strand, the complement: HOXB13 is on the minus strand). VCF-style: chr17-48728391-C-G. GRCh37 (hg19) VCF-style: chr17-46805753-C-G.
Other names: short protein forms G68A.
Identifiers: ClinVar variation 1427271 (VCV001427271.6), dbSNP rs2143073910, ClinGen allele CA400107929.

ClinVar aggregate classification (germline): Uncertain significance (1 of 4 stars; one submission).

Allele frequency attached by ClinVar (database versions not stated): gnomAD exomes below 0.00001.
gnomAD v4.1: 2 of 1,613,824 alleles (0.00012%); highest among the groups gnomAD compares: South Asian, 0.0022%; no homozygotes.

Submission:

Labcorp Genetics (formerly Invitae), Labcorp
Classification: Uncertain significance. Last evaluated: 2021-12-09. Review status: criteria provided, single submitter. Criteria: Invitae Variant Classification Sherloc (09022015). Collection method: clinical testing. Allele origin: germline.
Comment: This sequence change replaces glycine, which is neutral and non-polar, with alanine, which is neutral and non-polar, at codon 68 of the HOXB13 protein (p.Gly68Ala). This variant is not present in population databases (gnomAD no frequency). This variant has not been reported in the literature in individuals affected with HOXB13-related conditions. Algorithms developed to predict the effect of missense changes on protein structure and function (SIFT, PolyPhen-2, Align-GVGD) all suggest that this variant is likely to be tolerated. In summary, the available evidence is currently insufficient to determine the role of this variant in disease. Therefore, it has been classified as a Variant of Uncertain Significance.